The following is an entry in ClinVar:

ClinVar aggregate classification (germline): Likely benign (0 of 4 stars; one submission).

Conditions:
VSIG4-related disorder. Also called: VSIG4-related condition.

Allele frequency attached by ClinVar (database versions not stated): ExAC 0.00002; gnomAD exomes 0.00006; ESP Exome Variant Server 0.00009; gnomAD 0.00041.

Submission:

PreventionGenetics, part of Exact Sciences
Classification: Likely benign for VSIG4-related condition. Last evaluated: 2023-12-04. Review status: no assertion criteria provided. Collection method: clinical testing. Allele origin: germline.
Comment: This variant is classified as likely benign based on ACMG/AMP sequence variant interpretation guidelines (Richards et al. 2015 PMID: 25741868, with internal and published modifications).

NM_007268.3(VSIG4):c.590T>A (p.Leu197His)

Genes: VSIG4 (V-set and immunoglobulin domain containing 4; minus strand), LOC126863268 (CDK7 strongly-dependent group 2 enhancer GRCh37_chrX:65252367-65253566; plus strand). Cytogenetic location: Xq12.
Variant type: single nucleotide variant.
Coding change: c.590T>A on transcript NM_007268.3 (MANE Select); coding-DNA position 590, T replaced by A.
Protein change: p.Leu197His; replaces leucine 197 with histidine.
Molecular consequence: missense variant. On other transcripts: intron variant (2).
Genome position (GRCh38, 1-based): chrX:66,032,572, A>T on the plus strand (T>A on the coding strand, the complement: VSIG4 is on the minus strand). VCF-style: chrX-66032572-A-T. GRCh37 (hg19) VCF-style: chrX-65252414-A-T.
Other names: c.590T>A, p.Leu197His (NM_001184830.2, NM_001257403.2); c.412+902T>A (NM_001100431.2, NM_001184831.2); short protein forms L197H.
Identifiers: ClinVar variation 3047863 (VCV003047863.2), dbSNP rs373148029, ClinGen allele CA10434990.